The following is an entry in ClinVar:

ClinVar aggregate classification (germline): Pathogenic. Review status: criteria provided, multiple submitters, no conflicts (2 of 4 stars). 2 submissions from 2 submitters: Pathogenic (2). Last evaluated 2025-06-11.

Conditions:
Familial cancer of breast. Also called: BREAST CANCER, FAMILIAL; Hereditary breast cancer; hereditary breast carcinoma. Identifiers: Orphanet 227535, MedGen C0346153, MONDO:0016419, OMIM 114480. Disease mechanism: loss of function.
Hereditary cancer-predisposing syndrome. Also called: Neoplastic Syndromes, Hereditary; Hereditary Cancer Syndrome; Hereditary neoplastic syndrome; Tumor predisposition. Identifiers: Orphanet 140162, MedGen C0027672, MeSH D009386, MONDO:0015356.

Submissions (2):

Labcorp Genetics (formerly Invitae), Labcorp
Classification: Pathogenic for Familial cancer of breast. Last evaluated: 2025-06-11. Review status: criteria provided, single submitter. Criteria: Invitae Variant Classification Sherloc (09022015). Collection method: clinical testing. Allele origin: germline.
Comment: This sequence change creates a premature translational stop signal (p.Tyr139*) in the CHEK2 gene. It is expected to result in an absent or disrupted protein product. Loss-of-function variants in CHEK2 are known to be pathogenic (PMID: 21876083, 24713400). This variant is not present in population databases (gnomAD no frequency). This premature translational stop signal has been observed in individual(s) with breast cancer (PMID: 28724667, 31650731). ClinVar contains an entry for this variant (Variation ID: 1423536). For these reasons, this variant has been classified as Pathogenic.

Ambry Genetics
Classification: Pathogenic for Hereditary cancer-predisposing syndrome. Last evaluated: 2025-05-16. Review status: criteria provided, single submitter. Criteria: Ambry Variant Classification Scheme 2023. Collection method: clinical testing. Allele origin: germline.
Comment: The p.Y139* pathogenic mutation (also known as c.417C>G), located in coding exon 2 of the CHEK2 gene, results from a C to G substitution at nucleotide position 417. This changes the amino acid from a tyrosine to a stop codon within coding exon 2. This variant is considered to be rare based on population cohorts in the Genome Aggregation Database (gnomAD). This alteration is expected to result in loss of function by premature protein truncation or nonsense-mediated mRNA decay. As such, this alteration is interpreted as a disease-causing mutation.

Literature cited by the submitters: PubMed 21876083 (cited by Labcorp Genetics (formerly Invitae), Labcorp); PubMed 24713400 (cited by Labcorp Genetics (formerly Invitae), Labcorp); PubMed 28724667 (cited by Labcorp Genetics (formerly Invitae), Labcorp); PubMed 31650731 (cited by Labcorp Genetics (formerly Invitae), Labcorp).

NM_007194.4(CHEK2):c.417C>G (p.Tyr139Ter)

Gene: CHEK2 (checkpoint kinase 2; minus strand). Cytogenetic location: 22q12.1.
Variant type: single nucleotide variant.
Coding change: c.417C>G on transcript NM_007194.4 (MANE Select); coding-DNA position 417, C replaced by G.
Protein change: p.Tyr139Ter; replaces tyrosine 139 with a stop codon.
Molecular consequence: nonsense.
Genome position (GRCh38, 1-based): chr22:28,725,270, G>C on the plus strand (C>G on the coding strand, the complement: CHEK2 is on the minus strand). VCF-style: chr22-28725270-G-C. GRCh37 (hg19) VCF-style: chr22-29121258-G-C.
Other names: c.546C>G, p.Tyr182Ter (NM_001005735.3); c.-361C>G (NM_001257387.3); c.417C>G, p.Tyr139Ter (NM_001349956.3, NM_145862.3); short protein forms Y139*, Y182*.
Identifiers: ClinVar variation 1423536 (VCV001423536.10), dbSNP rs200917541, ClinGen allele CA411107952.
Genomic context (GRCh38, chr22:28,725,270, plus strand): 5'-GCTCTCCTAGATACATGGGTATTCATTACCTACCCTGAAAATCCGAAAGTGTTTCTTGCT[G>C]TATGTTCGGTATTTATCTGTTCTTTTCAGCAGTGGTTCATCAAAGCAATATTCACAGCTT-3'